The following is an entry in ClinVar:

NM_152328.5(ADSS1):c.193-4943G>T

Gene: ADSS1 (adenylosuccinate synthase 1; plus strand). Cytogenetic location: 14q32.33.
Variant type: single nucleotide variant.
Coding change: c.193-4943G>T on transcript NM_152328.5 (MANE Select); 4943 bases into the intron before coding-DNA position 193, G replaced by T.
Molecular consequence: intron variant. On other transcripts: 5 prime UTR variant (1), missense variant (1).
Genome position (GRCh38, 1-based): chr14:104,730,077, G>T. VCF-style: chr14-104730077-G-T. GRCh37 (hg19) VCF-style: chr14-105196414-G-T.
Other names: c.-543G>T (NM_001320424.1); c.185G>T, p.Ser62Ile (NM_199165.2); short protein forms S62I.
Identifiers: ClinVar variation 1681886 (VCV001681886.8), dbSNP rs758133136, ClinGen allele CA391232867.

ClinVar aggregate classification (germline): Uncertain significance (1 of 4 stars; one submission).

Allele frequency attached by ClinVar (database versions not stated): gnomAD 0.00001.
gnomAD v4.1: 6 of 1,559,652 alleles (0.00038%); highest among the groups gnomAD compares: Non-Finnish European, 0.00043%; no homozygotes.

Submission:

Labcorp Genetics (formerly Invitae), Labcorp
Classification: Uncertain significance. Last evaluated: 2022-09-07. Review status: criteria provided, single submitter. Criteria: Invitae Variant Classification Sherloc (09022015). Collection method: clinical testing. Allele origin: germline.
Comment: In summary, the available evidence is currently insufficient to determine the role of this variant in disease. Therefore, it has been classified as a Variant of Uncertain Significance. Experimental studies and prediction algorithms are not available or were not evaluated, and the functional significance of this variant is currently unknown. ClinVar contains an entry for this variant (Variation ID: 1681886). This variant has not been reported in the literature in individuals affected with ADSSL1-related conditions. This variant is present in population databases (no rsID available, gnomAD 0.007%). This sequence change replaces serine with isoleucine at codon 62 of the ADSSL1 protein (p.Ser62Ile). There is a large physicochemical difference between serine and isoleucine.